The following is an entry in ClinVar:

NM_002474.3(MYH11):c.5787-4725G>C

Genes: MYH11 (myosin heavy chain 11; minus strand), NDE1 (nudE neurodevelopment protein 1; plus strand). Cytogenetic location: 16p13.11.
Variant type: single nucleotide variant.
Coding change: c.5787-4725G>C on transcript NM_002474.3 (MANE Select); 4725 bases into the intron before coding-DNA position 5787, G replaced by C.
Molecular consequence: intron variant.
Genome position (GRCh38, 1-based): chr16:15,708,848, C>G on the plus strand (G>C on the coding strand, the complement: MYH11 is on the minus strand). VCF-style: chr16-15708848-C-G. GRCh37 (hg19) VCF-style: chr16-15802705-C-G.
Other names: c.947+11988C>G (NM_001143979.2, NM_017668.3); c.5787-7G>C (NM_022844.3); c.5808-4725G>C (NM_001040114.2); c.5808-7G>C (NM_001040113.2).
Identifiers: ClinVar variation 3071007 (VCV003071007.2), dbSNP rs1156235418, ClinGen allele CA621062155.

ClinVar aggregate classification (germline): Uncertain significance (1 of 4 stars; one submission).

Conditions:
Familial thoracic aortic aneurysm and aortic dissection (TAAD). Also called: Thoracic aortic aneurysms and dissections. Identifiers: Orphanet 91387, MedGen C4707243, MONDO:0019625.

Allele frequency attached by ClinVar (database versions not stated): gnomAD exomes below 0.00001; gnomAD 0.00001; TOPMed 0.00003.
gnomAD v4.1: 7 of 1,609,586 alleles (0.00043%); highest among the groups gnomAD compares: African/African-American, 0.004%; no homozygotes.

Submission:

All of Us Research Program, National Institutes of Health
Classification: Uncertain significance for Familial thoracic aortic aneurysm and aortic dissection. Last evaluated: 2024-05-14. Review status: criteria provided, single submitter. Criteria: ACMG Guidelines, 2015. Collection method: clinical testing. Allele origin: germline. Inheritance: Autosomal dominant inheritance. Observed: 2 variant alleles, 2 heterozygotes.
Comment: This variant causes a G to C nucleotide substitution at the -7 position of intron 41 of the MYH11 gene. To our knowledge, functional studies have not been reported for this variant. This variant has not been reported in individuals affected with MYH11-related disorders in the literature. This variant has not been identified in the general population by the Genome Aggregation Database (gnomAD). The available evidence is insufficient to determine the role of this variant in disease conclusively. Therefore, this variant is classified as a Variant of Uncertain Significance.

This study involves interpretation of variants in research participants for the purpose of population health screening. Participant phenotype was not available at the time of variant classification. Additional details can be found in publication PMID: 35346344, PMCID: PMC8962531